The following is an entry in ClinVar:

NM_001005361.3(DNM2):c.1438G>C (p.Asp480His)

Gene: DNM2 (dynamin 2; plus strand). Cytogenetic location: 19p13.2.
Variant type: single nucleotide variant.
Coding change: c.1438G>C on transcript NM_001005361.3 (MANE Select); coding-DNA position 1438, G replaced by C.
Protein change: p.Asp480His; replaces aspartic acid 480 with histidine.
Molecular consequence: missense variant.
Genome position (GRCh38, 1-based): chr19:10,802,303, G>C. VCF-style: chr19-10802303-G-C. GRCh37 (hg19) VCF-style: chr19-10912979-G-C.
Other names: c.1438G>C, p.Asp480His (NM_001005360.3, NM_001005362.3, NM_001190716.2 and 1 more transcripts); short protein forms D480H.
Identifiers: ClinVar variation 2911455 (VCV002911455.3), dbSNP rs764027808, ClinGen allele CA9201165.

ClinVar aggregate classification (germline): Uncertain significance (1 of 4 stars; one submission).

Conditions:
Charcot-Marie-Tooth disease dominant intermediate B (CMTDIB). Also called: CHARCOT-MARIE-TOOTH NEUROPATHY, DOMINANT INTERMEDIATE B; Charcot-Marie-Tooth disease dominant intermediate 1; CMT DI1; Charcot-Marie-Tooth disease dominant intermediate I. Identifiers: Orphanet 100044, Orphanet 228179, MedGen C1847902, MONDO:0011674, OMIM 606482.

gnomAD v4.1: 1 of 1,614,070 alleles (0.000062%); no homozygotes.

Submission:

Labcorp Genetics (formerly Invitae), Labcorp
Classification: Uncertain significance for Charcot-Marie-Tooth disease dominant intermediate B. Last evaluated: 2023-05-23. Review status: criteria provided, single submitter. Criteria: Invitae Variant Classification Sherloc (09022015). Collection method: clinical testing. Allele origin: germline.
Comment: In summary, the available evidence is currently insufficient to determine the role of this variant in disease. Therefore, it has been classified as a Variant of Uncertain Significance. Advanced modeling of protein sequence and biophysical properties (such as structural, functional, and spatial information, amino acid conservation, physicochemical variation, residue mobility, and thermodynamic stability) has been performed at Invitae for this missense variant, however the output from this modeling did not meet the statistical confidence thresholds required to predict the impact of this variant on DNM2 protein function. This variant has not been reported in the literature in individuals affected with DNM2-related conditions. This variant is present in population databases (rs764027808, gnomAD 0.01%). This sequence change replaces aspartic acid, which is acidic and polar, with histidine, which is basic and polar, at codon 480 of the DNM2 protein (p.Asp480His).